The following is an entry in ClinVar:

ClinVar aggregate classification (germline): Benign/Likely benign. Review status: criteria provided, multiple submitters, no conflicts (2 of 4 stars). 6 submissions from 6 submitters: Benign (4); Likely benign (1). 1 of the submissions does not count toward it. Last evaluated 2026-02-03.

Conditions:
Treacher Collins syndrome 1 (TCS1). Also called: TCOF1-Related Treacher Collins Syndrome. Identifiers: Orphanet 861, MedGen CN315775, MONDO:0007944, OMIM 154500.

Allele frequency attached by ClinVar (database versions not stated): 1000 Genomes Project 30x 0.06152; 1000 Genomes Project 0.06230; gnomAD exomes 0.06416 and 0.07261; ExAC 0.06474; gnomAD 0.08455 and 0.08821; TOPMed 0.08713; ESP Exome Variant Server 0.09265.
gnomAD v4.1: 118,913 of 1,613,700 alleles (7.4%); highest among the groups gnomAD compares: African/African-American, 13%; 4,779 homozygotes.

Submissions 1 to 33 of 86:

Labcorp Genetics (formerly Invitae), Labcorp
Classification: Benign for Treacher Collins syndrome 1. Last evaluated: 2026-02-03. Review status: criteria provided, single submitter. Criteria: Invitae Variant Classification Sherloc (09022015). Collection method: clinical testing. Allele origin: germline.

Blueprint Genetics
Classification: Likely benign. Last evaluated: 2024-11-26. Review status: criteria provided, single submitter. Criteria: ACMG Guidelines, 2015. Collection method: clinical testing. Allele origin: germline.

Mayo Clinic Laboratories, Mayo Clinic
Classification: Benign. Last evaluated: 2020-12-04. Review status: criteria provided, single submitter. Criteria: ACMG Guidelines, 2015. Collection method: clinical testing. Allele origin: germline. Observed: 18 variant alleles.

GeneDx
Classification: Benign. Last evaluated: 2015-03-03. Review status: criteria provided, single submitter. Criteria: GeneDx Variant Classification Process June 2021. Collection method: clinical testing. Allele origin: germline. Affected: yes.

PreventionGenetics, part of Exact Sciences
Classification: Benign. Review status: criteria provided, single submitter. Criteria: ACMG Guidelines, 2015. Collection method: clinical testing. Allele origin: germline.

Dr. Peter K. Rogan Lab, Western University
No classification provided (evidence only). Condition: Familial cancer of breast. Review status: no classification provided. Collection method: in vitro. Allele origin: not applicable. Functional consequence: retained intron. Not counted in ClinVar's aggregate classification.

Dr. Peter K. Rogan Lab, Western University
No classification provided (evidence only). Condition: Colorectal cancer. Review status: no classification provided. Collection method: in vitro. Allele origin: not applicable. Functional consequence: retained intron. Not counted in ClinVar's aggregate classification.

Dr. Peter K. Rogan Lab, Western University
No classification provided (evidence only). Condition: Colorectal cancer. Review status: no classification provided. Collection method: in vitro. Allele origin: not applicable. Functional consequence: skipped exon, retained intron. Not counted in ClinVar's aggregate classification.

Dr. Peter K. Rogan Lab, Western University
No classification provided (evidence only). Condition: Colorectal cancer. Review status: no classification provided. Collection method: in vitro. Allele origin: not applicable. Functional consequence: retained intron. Not counted in ClinVar's aggregate classification.

Dr. Peter K. Rogan Lab, Western University
No classification provided (evidence only). Condition: Colorectal cancer. Review status: no classification provided. Collection method: in vitro. Allele origin: not applicable. Functional consequence: retained intron. Not counted in ClinVar's aggregate classification.

Dr. Peter K. Rogan Lab, Western University
No classification provided (evidence only). Condition: Colorectal cancer. Review status: no classification provided. Collection method: in vitro. Allele origin: not applicable. Functional consequence: retained intron. Not counted in ClinVar's aggregate classification.

Dr. Peter K. Rogan Lab, Western University
No classification provided (evidence only). Condition: Malignant lymphoma, large B-cell, diffuse. Review status: no classification provided. Collection method: in vitro. Allele origin: not applicable. Functional consequence: skipped exon. Not counted in ClinVar's aggregate classification.

Dr. Peter K. Rogan Lab, Western University
No classification provided (evidence only). Condition: Malignant lymphoma, large B-cell, diffuse. Review status: no classification provided. Collection method: in vitro. Allele origin: not applicable. Functional consequence: retained intron. Not counted in ClinVar's aggregate classification.

Dr. Peter K. Rogan Lab, Western University
No classification provided (evidence only). Condition: Thymoma. Review status: no classification provided. Collection method: in vitro. Allele origin: not applicable. Functional consequence: retained intron. Not counted in ClinVar's aggregate classification.

Dr. Peter K. Rogan Lab, Western University
No classification provided (evidence only). Condition: Thymoma. Review status: no classification provided. Collection method: in vitro. Allele origin: not applicable. Functional consequence: retained intron. Not counted in ClinVar's aggregate classification.

Dr. Peter K. Rogan Lab, Western University
No classification provided (evidence only). Condition: Thymoma. Review status: no classification provided. Collection method: in vitro. Allele origin: not applicable. Functional consequence: retained intron. Not counted in ClinVar's aggregate classification.

Dr. Peter K. Rogan Lab, Western University
No classification provided (evidence only). Condition: Thymoma. Review status: no classification provided. Collection method: in vitro. Allele origin: not applicable. Functional consequence: retained intron. Not counted in ClinVar's aggregate classification.

Dr. Peter K. Rogan Lab, Western University
No classification provided (evidence only). Condition: Thymoma. Review status: no classification provided. Collection method: in vitro. Allele origin: not applicable. Functional consequence: skipped exon. Not counted in ClinVar's aggregate classification.

Dr. Peter K. Rogan Lab, Western University
No classification provided (evidence only). Condition: Thymoma. Review status: no classification provided. Collection method: in vitro. Allele origin: not applicable. Functional consequence: retained intron. Not counted in ClinVar's aggregate classification.

Dr. Peter K. Rogan Lab, Western University
No classification provided (evidence only). Condition: Thymoma. Review status: no classification provided. Collection method: in vitro. Allele origin: not applicable. Functional consequence: retained intron. Not counted in ClinVar's aggregate classification.

Dr. Peter K. Rogan Lab, Western University
No classification provided (evidence only). Condition: Thymoma. Review status: no classification provided. Collection method: in vitro. Allele origin: not applicable. Functional consequence: retained intron. Not counted in ClinVar's aggregate classification.

Dr. Peter K. Rogan Lab, Western University
No classification provided (evidence only). Condition: Thymoma. Review status: no classification provided. Collection method: in vitro. Allele origin: not applicable. Functional consequence: retained intron. Not counted in ClinVar's aggregate classification.

Dr. Peter K. Rogan Lab, Western University
No classification provided (evidence only). Condition: Thymoma. Review status: no classification provided. Collection method: in vitro. Allele origin: not applicable. Functional consequence: retained intron. Not counted in ClinVar's aggregate classification.

Dr. Peter K. Rogan Lab, Western University
No classification provided (evidence only). Condition: Thymoma. Review status: no classification provided. Collection method: in vitro. Allele origin: not applicable. Functional consequence: retained intron. Not counted in ClinVar's aggregate classification.

Dr. Peter K. Rogan Lab, Western University
No classification provided (evidence only). Condition: Thymoma. Review status: no classification provided. Collection method: in vitro. Allele origin: not applicable. Functional consequence: retained intron. Not counted in ClinVar's aggregate classification.

Dr. Peter K. Rogan Lab, Western University
No classification provided (evidence only). Condition: Thymoma. Review status: no classification provided. Collection method: in vitro. Allele origin: not applicable. Functional consequence: skipped exon, retained intron. Not counted in ClinVar's aggregate classification.

Dr. Peter K. Rogan Lab, Western University
No classification provided (evidence only). Condition: Thymoma. Review status: no classification provided. Collection method: in vitro. Allele origin: not applicable. Functional consequence: retained intron. Not counted in ClinVar's aggregate classification.

Dr. Peter K. Rogan Lab, Western University
No classification provided (evidence only). Condition: Cholangiocarcinoma. Review status: no classification provided. Collection method: in vitro. Allele origin: not applicable. Functional consequence: retained intron. Not counted in ClinVar's aggregate classification.

Dr. Peter K. Rogan Lab, Western University
No classification provided (evidence only). Condition: Cholangiocarcinoma. Review status: no classification provided. Collection method: in vitro. Allele origin: not applicable. Functional consequence: retained intron. Not counted in ClinVar's aggregate classification.

Dr. Peter K. Rogan Lab, Western University
No classification provided (evidence only). Condition: Cholangiocarcinoma. Review status: no classification provided. Collection method: in vitro. Allele origin: not applicable. Functional consequence: retained intron. Not counted in ClinVar's aggregate classification.

Dr. Peter K. Rogan Lab, Western University
No classification provided (evidence only). Condition: Cholangiocarcinoma. Review status: no classification provided. Collection method: in vitro. Allele origin: not applicable. Functional consequence: skipped exon, retained intron. Not counted in ClinVar's aggregate classification.

Dr. Peter K. Rogan Lab, Western University
No classification provided (evidence only). Condition: Cholangiocarcinoma. Review status: no classification provided. Collection method: in vitro. Allele origin: not applicable. Functional consequence: retained intron. Not counted in ClinVar's aggregate classification.

Dr. Peter K. Rogan Lab, Western University
No classification provided (evidence only). Condition: Cholangiocarcinoma. Review status: no classification provided. Collection method: in vitro. Allele origin: not applicable. Functional consequence: skipped exon, retained intron. Not counted in ClinVar's aggregate classification.

NM_001371623.1(TCOF1):c.3604-3C>T

Gene: TCOF1 (treacle ribosome biogenesis factor 1; plus strand). Cytogenetic location: 5q32.
Variant type: single nucleotide variant.
Coding change: c.3604-3C>T on transcript NM_001371623.1 (MANE Select); 3 bases into the intron before coding-DNA position 3604, C replaced by T.
Molecular consequence: intron variant.
Genome position (GRCh38, 1-based): chr5:150,393,369, C>T. VCF-style: chr5-150393369-C-T. GRCh37 (hg19) VCF-style: chr5-149772932-C-T.
Other names: p.?; c.3601-3C>T (NM_001135243.2); c.3490-3C>T (NM_001135244.2); c.3487-3C>T (NM_001195141.2); c.3373-3C>T (NM_001135245.2); c.3370-3C>T (NM_000356.4).
Identifiers: ClinVar variation 130572 (VCV000130572.21), dbSNP rs11743855, ClinGen allele CA155685.
Genomic context (GRCh38, chr5:150,393,369, plus strand): 5'-TCGGGCTGGGTTATGGCAGTGGGGTGGGGTGGTGGCAGCCTCTTTCACAATGGGCTTCTT[C>T]AGTCTCTCCTCTCAGGTTATATGACCCCTGGACTAACCCCAGCCAATTCCCAGGCCTCAA-3'